The following is an entry in ClinVar:

ClinVar aggregate classification (germline): Pathogenic (1 of 4 stars; one submission).

Conditions:
Duchenne muscular dystrophy (DMD). Also called: Duchenne Muscular Dystrophy (DMD); MUSCULAR DYSTROPHY, PSEUDOHYPERTROPHIC PROGRESSIVE, DUCHENNE TYPE. Identifiers: Orphanet 98896, MedGen C0013264, MONDO:0010679, OMIM 310200.

Submission:

Labcorp Genetics (formerly Invitae), Labcorp
Classification: Pathogenic for Duchenne muscular dystrophy. Last evaluated: 2021-10-23. Review status: criteria provided, single submitter. Criteria: Invitae Variant Classification Sherloc (09022015). Collection method: clinical testing. Allele origin: germline.
Comment: This sequence change creates a premature translational stop signal (p.Gln2598*) in the DMD gene. It is expected to result in an absent or disrupted protein product. Loss-of-function variants in DMD are known to be pathogenic (PMID: 16770791, 25007885). This variant is not present in population databases (ExAC no frequency). This premature translational stop signal has been observed in individual(s) with clinical features of DMD-related conditions (PMID: 30944907, 31404137, 32559196). For these reasons, this variant has been classified as Pathogenic.

Literature cited by the submitters: PubMed 16770791; PubMed 25007885; PubMed 30944907; PubMed 31404137; PubMed 32559196.

NM_004006.3(DMD):c.7792C>T (p.Gln2598Ter)

Gene: DMD (dystrophin; minus strand). Cytogenetic location: Xp21.1.
Variant type: single nucleotide variant.
Coding change: c.7792C>T on transcript NM_004006.3 (MANE Select); coding-DNA position 7792, C replaced by T.
Protein change: p.Gln2598Ter; replaces glutamine 2598 with a stop codon.
Molecular consequence: nonsense.
Genome position (GRCh38, 1-based): chrX:31,679,455, G>A on the plus strand (C>T on the coding strand, the complement: DMD is on the minus strand). VCF-style: chrX-31679455-G-A. GRCh37 (hg19) VCF-style: chrX-31697572-G-A.
Other names: c.7768C>T, p.Gln2590Ter (NM_000109.4); c.7780C>T, p.Gln2594Ter (NM_004009.3); c.7423C>T, p.Gln2475Ter (NM_004010.3); c.3769C>T, p.Gln1257Ter (NM_004011.4); c.3760C>T, p.Gln1254Ter (NM_004012.4); c.412C>T, p.Gln138Ter (NM_004013.3, NM_004020.4, NM_004021.3 and 2 more transcripts); short protein forms Q2475*, Q2590*, Q2598*, Q1254*, Q1257*, Q138*, Q2594*.
Identifiers: ClinVar variation 1458766 (VCV001458766.7), dbSNP rs2148733074, ClinGen allele CA412656723.